The following is an entry in ClinVar:

ClinVar aggregate classification (germline): Pathogenic. Review status: criteria provided, multiple submitters, no conflicts (2 of 4 stars). 4 submissions from 4 submitters: Pathogenic (4). Last evaluated 2023-03-24.

Conditions:
Kleefstra syndrome 1 (KLEFS1). Identifiers: Orphanet 261494, MedGen C0795833, MONDO:0027407, OMIM 610253.

Submissions (4):

GeneDx
Classification: Pathogenic. Last evaluated: 2023-03-24. Review status: criteria provided, single submitter. Criteria: GeneDx Variant Classification Process June 2021. Collection method: clinical testing. Allele origin: germline. Affected: yes.
Comment: Nonsense variant predicted to result in protein truncation or nonsense mediated decay in a gene for which loss of function is a known mechanism of disease; Not observed at significant frequency in large population cohorts (gnomAD); Has not been previously published as pathogenic or benign to our knowledge

Institute of Human Genetics, Clinical Exome/Genome Diagnostics Group, University Hospital Bonn
Classification: Pathogenic for Kleefstra syndrome 1. Last evaluated: 2022-09-30. Review status: criteria provided, single submitter. Criteria: ACMG Guidelines, 2015. Collection method: clinical testing. Allele origin: germline. Affected: yes.

Institute of Human Genetics Munich, TUM University Hospital
Classification: Pathogenic for Kleefstra syndrome 1. Last evaluated: 2022-08-22. Review status: criteria provided, single submitter. Criteria: Classification criteria August 2017. Collection method: clinical testing. Allele origin: germline. Inheritance: Autosomal dominant inheritance. Affected: yes. Observed: 1 variant allele.

3billion
Classification: Pathogenic for Kleefstra syndrome 1. Last evaluated: 2021-10-02. Review status: criteria provided, single submitter. Criteria: ACMG Guidelines, 2015. Collection method: clinical testing. Allele origin: germline. Affected: yes. Observed: 1 heterozygote.
Comment: Stop-gained (nonsense): predicted to result in a loss or disruption of normal protein function through nonsense-mediated decay (NMD) or protein truncation. Multiple pathogenic variants are reported downstream of the variant (PVS1_VS). The variant was observed as assumed (i.e. paternity and maternity not confirmed) de novoo (3billion dataset, PM6). It is not observed in the gnomAD v2.1.1 dataset (PM2). The variant has been reported as pathogenic (ClinVar ID: VCV000523809.3). Therefore, this variant is classified as pathogenic according to the recommendation of ACMG/AMP guideline.

NM_024757.5(EHMT1):c.1588C>T (p.Arg530Ter)

Genes: EHMT1 (euchromatic histone lysine methyltransferase 1; plus strand), LOC130003148 (ATAC-STARR-seq lymphoblastoid active region 29369; plus strand). Cytogenetic location: 9q34.3.
Variant type: single nucleotide variant.
Coding change: c.1588C>T on transcript NM_024757.5 (MANE Select); coding-DNA position 1588, C replaced by T.
Protein change: p.Arg530Ter; replaces arginine 530 with a stop codon.
Molecular consequence: nonsense.
Genome position (GRCh38, 1-based): chr9:137,762,761, C>T. VCF-style: chr9-137762761-C-T. GRCh37 (hg19) VCF-style: chr9-140657213-C-T.
Other names: c.1588C>T, p.Arg530Ter (NM_001145527.2, NM_001354611.2); c.1495C>T, p.Arg499Ter (NM_001354259.2, NM_001354612.2); c.1567C>T, p.Arg523Ter (NM_001354263.2); short protein forms R530*, R523*, R499*.
Identifiers: ClinVar variation 523809 (VCV000523809.7), dbSNP rs1554871138, ClinGen allele CA375769349.